The following is an entry in ClinVar:

NM_020680.4(SCYL1):c.958G>A (p.Ala320Thr)

Gene: SCYL1 (SCY1 like pseudokinase 1; plus strand). Cytogenetic location: 11q13.1.
Variant type: single nucleotide variant.
Coding change: c.958G>A on transcript NM_020680.4 (MANE Select); coding-DNA position 958, G replaced by A.
Protein change: p.Ala320Thr; replaces alanine 320 with threonine.
Molecular consequence: missense variant.
Genome position (GRCh38, 1-based): chr11:65,530,737, G>A. VCF-style: chr11-65530737-G-A. GRCh37 (hg19) VCF-style: chr11-65298208-G-A.
Other names: p.Ala320Thr; c.958G>A, p.Ala320Thr (NM_001048218.2, NM_001411022.1); short protein forms A320T.
Identifiers: ClinVar variation 2381089 (VCV002381089.4), dbSNP rs367743932, ClinGen allele CA6099653.

ClinVar aggregate classification (germline): Uncertain significance. Review status: criteria provided, multiple submitters, no conflicts (2 of 4 stars). 3 submissions from 3 submitters: Uncertain significance (3). Last evaluated 2025-10-08.

Conditions:
Inborn genetic diseases. Identifiers: MedGen C0950123, MeSH D030342.

Allele frequency attached by ClinVar (database versions not stated): ExAC 0.00010; TOPMed 0.00015; 1000 Genomes Project 30x 0.00016; gnomAD 0.00017; 1000 Genomes Project 0.00020; gnomAD exomes 0.00020; ESP Exome Variant Server 0.00025.
gnomAD v4.1: 316 of 1,613,954 alleles (0.02%); highest among the groups gnomAD compares: Non-Finnish European, 0.024%; no homozygotes.

Submissions (3):

Mayo Clinic Laboratories, Mayo Clinic
Classification: Uncertain significance. Last evaluated: 2025-10-08. Review status: criteria provided, single submitter. Criteria: ACMG Guidelines, 2015. Collection method: clinical testing. Allele origin: germline. Observed: 1 variant allele.
Comment: BP4, PM2_supporting

Blueprint Genetics
Classification: Uncertain significance. Last evaluated: 2024-04-16. Review status: criteria provided, single submitter. Criteria: ACMG Guidelines, 2015. Collection method: clinical testing. Allele origin: germline.

Ambry Genetics
Classification: Uncertain significance for Inborn genetic diseases. Last evaluated: 2022-02-03. Review status: criteria provided, single submitter. Criteria: Ambry Variant Classification Scheme 2023. Collection method: clinical testing. Allele origin: germline.